The following is an entry in ClinVar:

NM_001853.4(COL9A3):c.82G>C (p.Val28Leu)

Gene: COL9A3 (collagen type IX alpha 3 chain; plus strand). Cytogenetic location: 20q13.33.
Variant type: single nucleotide variant.
Coding change: c.82G>C on transcript NM_001853.4 (MANE Select); coding-DNA position 82, G replaced by C.
Protein change: p.Val28Leu; replaces valine 28 with leucine.
Molecular consequence: missense variant.
Genome position (GRCh38, 1-based): chr20:62,817,570, G>C. VCF-style: chr20-62817570-G-C. GRCh37 (hg19) VCF-style: chr20-61448922-G-C.
Other names: short protein forms V28L.
Identifiers: ClinVar variation 2133183 (VCV002133183.4), dbSNP rs1027547114, ClinGen allele CA409587039.

ClinVar aggregate classification (germline): Uncertain significance (1 of 4 stars; one submission).

gnomAD v4.1: 1 of 1,544,100 alleles (0.000065%); highest among the groups gnomAD compares: Non-Finnish European, 0.000088%; no homozygotes.

Submission:

Labcorp Genetics (formerly Invitae), Labcorp
Classification: Uncertain significance. Last evaluated: 2025-05-11. Review status: criteria provided, single submitter. Criteria: Invitae Variant Classification Sherloc (09022015). Collection method: clinical testing. Allele origin: germline.
Comment: This sequence change replaces valine, which is neutral and non-polar, with leucine, which is neutral and non-polar, at codon 28 of the COL9A3 protein (p.Val28Leu). This variant is not present in population databases (gnomAD no frequency). This variant has not been reported in the literature in individuals affected with COL9A3-related conditions. ClinVar contains an entry for this variant (Variation ID: 2133183). Invitae Evidence Modeling of protein sequence and biophysical properties (such as structural, functional, and spatial information, amino acid conservation, physicochemical variation, residue mobility, and thermodynamic stability) indicates that this missense variant is not expected to disrupt COL9A3 protein function with a negative predictive value of 95%. In summary, the available evidence is currently insufficient to determine the role of this variant in disease. Therefore, it has been classified as a Variant of Uncertain Significance.